The following is an entry in ClinVar:

NM_005629.4(SLC6A8):c.390C>G (p.Phe130Leu)

Gene: SLC6A8 (solute carrier family 6 member 8; plus strand). Cytogenetic location: Xq28.
Variant type: single nucleotide variant.
Coding change: c.390C>G on transcript NM_005629.4 (MANE Select); coding-DNA position 390, C replaced by G.
Protein change: p.Phe130Leu; replaces phenylalanine 130 with leucine.
Molecular consequence: missense variant.
Genome position (GRCh38, 1-based): chrX:153,690,502, C>G. VCF-style: chrX-153690502-C-G. GRCh37 (hg19) VCF-style: chrX-152955957-C-G.
Other names: c.390C>G, p.Phe130Leu (NM_001142805.2); c.45C>G, p.Phe15Leu (NM_001142806.1); short protein forms F130L, F15L.
Identifiers: ClinVar variation 5018422 (VCV005018422.1).

ClinVar aggregate classification (germline): Uncertain significance (1 of 4 stars; one submission).

Submission:

GeneDx
Classification: Uncertain significance. Last evaluated: 2026-04-11. Review status: criteria provided, single submitter. Criteria: GeneDx Variant Classification Process June 2021. Collection method: clinical testing. Allele origin: germline.
Comment: Not observed at significant frequency in large population cohorts (gnomAD); In silico analysis supports that this missense variant has a deleterious effect on protein structure/function; Has not been previously published as pathogenic or benign to our knowledge